The following is an entry in ClinVar:

ClinVar aggregate classification (germline): Uncertain significance (1 of 4 stars; one submission).

Conditions:
Congenital disorder of deglycosylation (CDDG). Identifiers: MedGen C3808991, MONDO:0031376.

Submission:

Labcorp Genetics (formerly Invitae), Labcorp
Classification: Uncertain significance for Congenital disorder of deglycosylation. Last evaluated: 2022-09-19. Review status: criteria provided, single submitter. Criteria: Invitae Variant Classification Sherloc (09022015). Collection method: clinical testing. Allele origin: germline.
Comment: This variant, c.1250_1258dup, results in the insertion of 3 amino acid(s) of the NGLY1 protein (p.Leu417_Lys419dup), but otherwise preserves the integrity of the reading frame. This variant is not present in population databases (gnomAD no frequency). This variant has not been reported in the literature in individuals affected with NGLY1-related conditions. ClinVar contains an entry for this variant (Variation ID: 954413). Experimental studies and prediction algorithms are not available or were not evaluated, and the functional significance of this variant is currently unknown. In summary, the available evidence is currently insufficient to determine the role of this variant in disease. Therefore, it has been classified as a Variant of Uncertain Significance.

NM_018297.4(NGLY1):c.1250_1258dup (p.Leu417_Lys419dup)

Gene: NGLY1 (N-glycanase 1; minus strand). Cytogenetic location: 3p24.2.
Variant type: Duplication.
Coding change: c.1250_1258dup on transcript NM_018297.4 (MANE Select); coding-DNA positions 1250 to 1258, 9 bases duplicated (TTAATAAGC; older notation c.1250_1258dupTTAATAAGC).
Protein change: p.Leu417_Lys419dup.
Molecular consequence: inframe insertion.
Genome position (GRCh38, 1-based): chr3:25,733,874-25,733,882, GCTTATTAA duplicated on the plus strand (TTAATAAGC on the coding strand, the reverse complement: NGLY1 is on the minus strand); duplicating any 9 consecutive bases within chr3:25,733,874-25,733,884 gives the same sequence; the c. name uses the placement nearest the transcript's 3' end. VCF-style (leftmost placement, unchanged base first): chr3-25733873-T-TGCTTATTAA. GRCh37 (hg19) VCF-style: chr3-25775364-T-TGCTTATTAA.
Other names: c.1196_1204dup, p.Leu399_Lys401dup (NM_001145293.2); c.1124_1132dup, p.Leu375_Lys377dup (NM_001145294.2); c.1250_1258dup, p.Leu417_Lys419dup (NM_001145295.2).
Identifiers: ClinVar variation 954413 (VCV000954413.4), dbSNP rs1705681776, ClinGen allele CA1139657918.